The following is an entry in ClinVar:

NM_001292063.2(OTOG):c.4170G>A (p.Ser1390=)

Gene: OTOG (otogelin; plus strand). Cytogenetic location: 11p15.1.
Variant type: single nucleotide variant.
Coding change: c.4170G>A on transcript NM_001292063.2 (MANE Select); coding-DNA position 4170, G replaced by A.
Protein change: p.Ser1390=; no amino-acid change (serine 1390 retained).
Molecular consequence: synonymous variant.
Genome position (GRCh38, 1-based): chr11:17,608,309, G>A. VCF-style: chr11-17608309-G-A. GRCh37 (hg19) VCF-style: chr11-17629856-G-A.
Other names: c.4206G>A, p.Ser1402= (NM_001277269.2).
Identifiers: ClinVar variation 227779 (VCV000227779.5), dbSNP rs765085598, ClinGen allele CA5905822.

ClinVar aggregate classification (germline): Likely benign (1 of 4 stars; one submission).

Allele frequency attached by ClinVar (database versions not stated): ExAC below 0.00001; gnomAD 0.00002 and 0.00003; TOPMed 0.00002; gnomAD exomes 0.00003.

Submission:

Laboratory for Molecular Medicine, Mass General Brigham Personalized Medicine
Classification: Likely benign. Last evaluated: 2016-01-28. Review status: criteria provided, single submitter. Criteria: LMM Criteria. Collection method: clinical testing. Allele origin: germline. Observed: 2 variant alleles.
Comment: p.Ser1402Ser in exon 33 of OTOG: This variant is not expected to have clinical s ignificance because it does not alter an amino acid residue and it is not locate d within the splice consensus sequence.